The following is an entry in ClinVar:

ClinVar aggregate classification (germline): not provided (0 of 4 stars; one submission).

Conditions:
Preeclampsia. Identifiers: Orphanet 275555, MedGen C0032914, MONDO:0005081, HP:0100602.

Submission:

Institute of Molecular and Cell Biology, University of Tartu
No classification provided. Condition: Preeclampsia. Review status: no classification provided. Collection method: case-control. Allele origin: unknown. Affected: yes. Study: Kasak2014.
Comment: The study aimed to determine the contribution of copy number variants in the genetic etiology of normal and complicated pregnancies. The samples represented (i) maternal blood DNA drawn from healthy pregnant women during 1st or 2nd trimester and (ii) maternal and paternal blood DNA drawn at term pregnancy cases representing normal and complicated gestations (severe preeclampsia, PE; gestational diabetes, GD; small-for-gestational age newborn, SGA; large-for-gestational age newborn, LGA). We performed CNV calling based on genome-wide genotyping dataset (Illumina HumanOmniExpress-24-v1 BeadChip) by applying three algorithms, QuantiSNP, GADA (Genome Alteration Detection Algorithm) and CNstream in parallel. The acquired CNV calls were merged with HD-CNV (Hotspot Detector for Copy Number Variants) program and only the CNVs predicted by at least two programs, were considered in subsequent analysis.

Literature cited by the submitters: PubMed 25666259.

NC_000011.10:g.97981770_98652344del

Genes: LOC129390335 (MPRA-validated peak1422 silencer; plus strand), LOC129390336 (MPRA-validated peak1423 silencer; plus strand), LOC129390337 (MPRA-validated peak1424 silencer; plus strand), LOC129390338 (MPRA-validated peak1425 silencer; plus strand), LOC129390339 (MPRA-validated peak1427 silencer; plus strand). Cytogenetic location: 11q22.1.
Variant type: Deletion.
Identifiers: ClinVar variation 157220 (VCV000157220.3).